The following is an entry in ClinVar:

ClinVar aggregate classification (germline): Uncertain significance. Review status: criteria provided, multiple submitters, no conflicts (2 of 4 stars). 3 submissions from 3 submitters: Uncertain significance (3). Last evaluated 2025-07-18.

Conditions:
Inborn genetic diseases. Identifiers: MedGen C0950123, MeSH D030342.

Allele frequency attached by ClinVar (database versions not stated): gnomAD 0.00001; TOPMed 0.00003.
gnomAD v4.1: 60 of 1,613,998 alleles (0.0037%); highest among the groups gnomAD compares: Non-Finnish European, 0.0047%; no homozygotes.

Submissions (3):

GeneDx
Classification: Uncertain significance. Last evaluated: 2025-07-18. Review status: criteria provided, single submitter. Criteria: GeneDx Variant Classification Process June 2021. Collection method: clinical testing. Allele origin: germline. Affected: yes.
Comment: Has not been previously published as pathogenic or benign to our knowledge; In silico analysis, which includes protein predictors and evolutionary conservation, supports a deleterious effect; Not observed at significant frequency in large population cohorts (gnomAD)

Ambry Genetics
Classification: Uncertain significance for Inborn genetic diseases. Last evaluated: 2023-06-02. Review status: criteria provided, single submitter. Criteria: Ambry Variant Classification Scheme 2023. Collection method: clinical testing. Allele origin: germline.

Genetic Services Laboratory, University of Chicago
Classification: Uncertain significance. Last evaluated: 2018-01-30. Review status: criteria provided, single submitter. Criteria: ACMG Guidelines, 2015. Collection method: clinical testing. Allele origin: germline. Affected: no.

NM_006420.3(ARFGEF2):c.3034C>T (p.Arg1012Cys)

Gene: ARFGEF2 (ARF guanine nucleotide exchange factor 2; plus strand). Cytogenetic location: 20q13.13.
Variant type: single nucleotide variant.
Coding change: c.3034C>T on transcript NM_006420.3 (MANE Select); coding-DNA position 3034, C replaced by T.
Protein change: p.Arg1012Cys; replaces arginine 1012 with cysteine.
Molecular consequence: missense variant.
Genome position (GRCh38, 1-based): chr20:48,994,511, C>T. VCF-style: chr20-48994511-C-T. GRCh37 (hg19) VCF-style: chr20-47611048-C-T.
Other names: short protein forms R1012C.
Identifiers: ClinVar variation 1305305 (VCV001305305.9), dbSNP rs758071330, ClinGen allele CA409310382.